The following is an entry in ClinVar:

ClinVar aggregate classification (germline): Uncertain significance (1 of 4 stars; one submission).

Conditions:
ZNRF3-related disorder.

Submission:

Institute of Medical Genetics, University of Zurich
Classification: Uncertain significance for ZNRF3-related disorder. Last evaluated: 2024-05-29. Review status: criteria provided, single submitter. Criteria: ACMG Guidelines, 2015. Collection method: research. Allele origin: germline. Affected: yes.
Comment: ACMG criteria applied: PM6 (assumed de novo), PM2 (absent from controls), PP3 (in silico programs predict a deleterious effect)

NM_001206998.2:c.301-10827_426+11057del

Gene: ZNRF3 (zinc and ring finger 3; plus strand).
Variant type: Deletion.
Other names: c.301-10827_426+11057del (NM_001206998.2).
Identifiers: ClinVar variation 3238958 (VCV003238958.1).